The following is an entry in ClinVar:

ClinVar aggregate classification (germline): Pathogenic/Likely pathogenic. Review status: criteria provided, multiple submitters, no conflicts (2 of 4 stars). 2 submissions from 2 submitters: Pathogenic (1); Likely pathogenic (1). Last evaluated 2024-08-31.

Conditions:
ATP13A2-related disorder. Also called: ATP13A2-related condition; ATP13A2-related disorders.
Autosomal recessive spastic paraplegia type 78. Identifiers: Orphanet 513436, MedGen C5567893, MONDO:0014975, OMIM 617225.
Kufor-Rakeb syndrome (KRS). Also called: PARKINSON DISEASE 9, AUTOSOMAL RECESSIVE, JUVENILE-ONSET. Identifiers: Orphanet 306674, Orphanet 314632, MedGen C1847640, MONDO:0011706, OMIM 606693.

Submissions (2):

Labcorp Genetics (formerly Invitae), Labcorp
Classification: Pathogenic for Kufor-Rakeb syndrome; Autosomal recessive spastic paraplegia type 78. Last evaluated: 2024-08-31. Review status: criteria provided, single submitter. Criteria: Invitae Variant Classification Sherloc (09022015). Collection method: clinical testing. Allele origin: germline.
Comment: This sequence change creates a premature translational stop signal (p.Leu789Argfs*15) in the ATP13A2 gene. It is expected to result in an absent or disrupted protein product. Loss-of-function variants in ATP13A2 are known to be pathogenic (PMID: 16964263, 21696388). This variant is not present in population databases (gnomAD no frequency). This premature translational stop signal has been observed in individual(s) with Kufor-Rakeb syndrome (PMID: 31588715). For these reasons, this variant has been classified as Pathogenic.

Blueprint Genetics
Classification: Likely pathogenic for ATP13A2-related disorders. Last evaluated: 2017-11-09. Review status: criteria provided, single submitter. Criteria: ACMG Guidelines, 2015. Collection method: clinical testing. Allele origin: germline. Affected: yes. Observed: 1 variant allele.

Literature cited by the submitters: PubMed 16964263 (cited by Labcorp Genetics (formerly Invitae), Labcorp); PubMed 21696388 (cited by Labcorp Genetics (formerly Invitae), Labcorp); PubMed 31588715 (cited by Labcorp Genetics (formerly Invitae), Labcorp).

NM_022089.4(ATP13A2):c.2366_2367del (p.Leu789fs)

Gene: ATP13A2 (ATPase cation transporting 13A2; minus strand). Cytogenetic location: 1p36.13.
Variant type: Microsatellite.
Coding change: c.2366_2367del on transcript NM_022089.4 (MANE Select); coding-DNA positions 2366 to 2367, 2 bases deleted (TC; older notation c.2366_2367delTC).
Protein change: p.Leu789fs; shifts the reading frame from leucine 789.
Molecular consequence: frameshift variant.
Genome position (GRCh38, 1-based): chr1:16,990,172-16,990,173, GA deleted on the plus strand (TC on the coding strand, the reverse complement: ATP13A2 is on the minus strand); deleting any 2 consecutive bases within chr1:16,990,172-16,990,178 gives the same sequence; the c. name uses the placement nearest the transcript's 3' end. VCF-style (leftmost placement, unchanged base first): chr1-16990171-CGA-C. GRCh37 (hg19) VCF-style: chr1-17316666-CGA-C.
Other names: c.2351_2352del, p.Leu784fs (NM_001141973.3, NM_001141974.3); short protein forms L784fs, L789fs.
Identifiers: ClinVar variation 3762968 (VCV003762968.3).